The following is an entry in ClinVar:

NM_018677.4(ACSS2):c.1973G>A (p.Arg658His)

Gene: ACSS2 (acyl-CoA synthetase short chain family member 2; plus strand). Cytogenetic location: 20q11.22.
Variant type: single nucleotide variant.
Coding change: c.1973G>A on transcript NM_018677.4 (MANE Select); coding-DNA position 1973, G replaced by A.
Protein change: p.Arg658His; replaces arginine 658 with histidine.
Molecular consequence: missense variant.
Genome position (GRCh38, 1-based): chr20:34,926,946, G>A. VCF-style: chr20-34926946-G-A. GRCh37 (hg19) VCF-style: chr20-33514749-G-A.
Other names: c.2012G>A, p.Arg671His (NM_001076552.3); c.1688G>A, p.Arg563His (NM_001242393.2); short protein forms R563H, R658H, R671H.
Identifiers: ClinVar variation 4981614 (VCV004981614.1).

ClinVar aggregate classification (germline): Uncertain significance (1 of 4 stars; one submission).

Conditions:
ACSS2-related disorder. Also called: ACSS2-related condition.

gnomAD v4.1: 419 of 1,614,162 alleles (0.026%); highest among the groups gnomAD compares: Non-Finnish European, 0.032%; no homozygotes.

Submission:

PreventionGenetics, part of Exact Sciences
Classification: Uncertain significance for ACSS2-related condition. Last evaluated: 2024-10-18. Review status: criteria provided, single submitter. Criteria: ACMG Guidelines, 2015. Collection method: clinical testing. Allele origin: germline.
Comment: The ACSS2 c.2012G>A variant is predicted to result in the amino acid substitution p.Arg671His. To our knowledge, this variant has not been reported in the literature. This variant is reported in 0.033% of alleles in individuals of European (Non-Finnish) descent in gnomAD. At this time, the clinical significance of this variant is uncertain due to the absence of conclusive functional and genetic evidence.